The following is an entry in ClinVar:

NM_003620.4(PPM1D):c.1206_1212del (p.Asn402fs)

Gene: PPM1D (protein phosphatase, Mg2+/Mn2+ dependent 1D; plus strand). Cytogenetic location: 17q23.2.
Variant type: Deletion.
Coding change: c.1206_1212del on transcript NM_003620.4 (MANE Select); coding-DNA positions 1206 to 1212, 7 bases deleted (TAGTCAA; older notation c.1206_1212delTAGTCAA).
Protein change: p.Asn402fs; shifts the reading frame from asparagine 402.
Molecular consequence: frameshift variant.
Genome position (GRCh38, 1-based): chr17:60,656,787-60,656,793, TAGTCAA deleted; deleting any 7 consecutive bases within chr17:60,656,785-60,656,793 gives the same sequence; the c. name uses the placement nearest the transcript's 3' end. VCF-style (leftmost placement, unchanged base first): chr17-60656784-TAATAGTC-T. GRCh37 (hg19) VCF-style: chr17-58734145-TAATAGTC-T.
Other names: c.1206_1212delTAGTCAA, p.Asn402Lysfs (NM_003620.3); short protein forms N402fs.
Identifiers: ClinVar variation 2444798 (VCV002444798.1), dbSNP rs2544465678, ClinGen allele CA2580094560.

ClinVar aggregate classification (germline): Uncertain significance (1 of 4 stars; one submission).

Submission:

GeneDx
Classification: Uncertain significance. Last evaluated: 2022-09-18. Review status: criteria provided, single submitter. Criteria: GeneDx Variant Classification Process June 2021. Collection method: clinical testing. Allele origin: germline. Affected: yes.
Comment: Not observed at significant frequency in large population cohorts (gnomAD); Frameshift variant predicted to result in protein truncation, as the last 204 amino acids are replaced with 4 different amino acids; Has not been previously published as pathogenic or benign to our knowledge